The following is an entry in ClinVar:

ClinVar aggregate classification (germline): Uncertain significance. Review status: criteria provided, multiple submitters, no conflicts (2 of 4 stars). 2 submissions from 2 submitters: Uncertain significance (2). Last evaluated 2022-07-18.

Conditions:
Cataract 6 multiple types. Also called: CATARACT 6, CONGENITAL TOTAL; CATARACT, AGE-RELATED CORTICAL, 2; CATARACT 6, POSTERIOR POLAR. Identifiers: Orphanet 91492, MedGen C1861825, MONDO:0007288, OMIM 116600.

Allele frequency attached by ClinVar (database versions not stated): gnomAD exomes 0.00001 and 0.00005; gnomAD 0.00003; TOPMed 0.00004; ESP Exome Variant Server 0.00008.

Submissions (2):

Labcorp Genetics (formerly Invitae), Labcorp
Classification: Uncertain significance for Cataract 6 multiple types. Last evaluated: 2022-07-18. Review status: criteria provided, single submitter. Criteria: Invitae Variant Classification Sherloc (09022015). Collection method: clinical testing. Allele origin: germline.
Comment: This sequence change replaces arginine, which is basic and polar, with tryptophan, which is neutral and slightly polar, at codon 615 of the EPHA2 protein (p.Arg615Trp). This variant is present in population databases (rs373953344, gnomAD 0.007%). This variant has not been reported in the literature in individuals affected with EPHA2-related conditions. ClinVar contains an entry for this variant (Variation ID: 293423). Advanced modeling of protein sequence and biophysical properties (such as structural, functional, and spatial information, amino acid conservation, physicochemical variation, residue mobility, and thermodynamic stability) performed at Invitae indicates that this missense variant is not expected to disrupt EPHA2 protein function. In summary, the available evidence is currently insufficient to determine the role of this variant in disease. Therefore, it has been classified as a Variant of Uncertain Significance.

Illumina Laboratory Services, Illumina
Classification: Uncertain significance for Cataract 6 multiple types. Last evaluated: 2018-01-13. Review status: criteria provided, single submitter. Criteria: ICSL Variant Classification Criteria 13 December 2019. Collection method: clinical testing. Allele origin: germline.

NM_004431.5(EPHA2):c.1843C>T (p.Arg615Trp)

Gene: EPHA2 (EPH receptor A2; minus strand). Cytogenetic location: 1p36.13.
Variant type: single nucleotide variant.
Coding change: c.1843C>T on transcript NM_004431.5 (MANE Select); coding-DNA position 1843, C replaced by T.
Protein change: p.Arg615Trp; replaces arginine 615 with tryptophan.
Molecular consequence: missense variant.
Genome position (GRCh38, 1-based): chr1:16,133,502, G>A on the plus strand (C>T on the coding strand, the complement: EPHA2 is on the minus strand). VCF-style: chr1-16133502-G-A. GRCh37 (hg19) VCF-style: chr1-16459997-G-A.
Other names: c.1681C>T, p.Arg561Trp (NM_001329090.2); short protein forms R615W, R561W.
Identifiers: ClinVar variation 293423 (VCV000293423.10), dbSNP rs373953344, ClinGen allele CA10608023.